The following is an entry in ClinVar:

NM_001042492.3(NF1):c.4379A>T (p.His1460Leu)

Gene: NF1 (neurofibromin 1; plus strand). Cytogenetic location: 17q11.2.
Variant type: single nucleotide variant.
Coding change: c.4379A>T on transcript NM_001042492.3 (MANE Select); coding-DNA position 4379, A replaced by T.
Protein change: p.His1460Leu; replaces histidine 1460 with leucine.
Molecular consequence: missense variant.
Genome position (GRCh38, 1-based): chr17:31,259,078, A>T. VCF-style: chr17-31259078-A-T. GRCh37 (hg19) VCF-style: chr17-29586096-A-T.
Other names: c.4316A>T, p.His1439Leu (NM_000267.4); short protein forms H1460L, H1439L.
Identifiers: ClinVar variation 527556 (VCV000527556.6), dbSNP rs748990989, ClinGen allele CA398998838.

ClinVar aggregate classification (germline): Uncertain significance. Review status: criteria provided, multiple submitters, no conflicts (2 of 4 stars). 2 submissions from 2 submitters: Uncertain significance (2). Last evaluated 2025-06-13.

Conditions:
Cardiovascular phenotype. Identifiers: MedGen CN230736.
Hereditary cancer-predisposing syndrome. Also called: Neoplastic Syndromes, Hereditary; Tumor predisposition; Hereditary neoplastic syndrome; Hereditary Cancer Syndrome. Identifiers: Orphanet 140162, MedGen C0027672, MeSH D009386, MONDO:0015356.
Neurofibromatosis, type 1 (NF1). Also called: VON RECKLINGHAUSEN DISEASE; NEUROFIBROMATOSIS, TYPE I, SOMATIC; Peripheral type neurofibromatosis; Neurofibromatosis, type I. Identifiers: Orphanet 636, MedGen C0027831, MONDO:0018975, OMIM 162200. Disease mechanism: loss of function.

Submissions (2):

Ambry Genetics
Classification: Uncertain significance for Cardiovascular phenotype; Hereditary cancer-predisposing syndrome. Last evaluated: 2025-06-13. Review status: criteria provided, single submitter. Criteria: Ambry Variant Classification Scheme 2023. Collection method: clinical testing. Allele origin: germline.
Comment: The p.H1439L variant (also known as c.4316A>T), located in coding exon 32 of the NF1 gene, results from an A to T substitution at nucleotide position 4316. The histidine at codon 1439 is replaced by leucine, an amino acid with similar properties. This amino acid position is conserved. In addition, this alteration is predicted to be deleterious by in silico analysis. Based on the available evidence, the clinical significance of this variant remains unclear.

Labcorp Genetics (formerly Invitae), Labcorp
Classification: Uncertain significance for Neurofibromatosis, type 1. Last evaluated: 2022-08-18. Review status: criteria provided, single submitter. Criteria: Invitae Variant Classification Sherloc (09022015). Collection method: clinical testing. Allele origin: germline.
Comment: This sequence change replaces histidine, which is basic and polar, with leucine, which is neutral and non-polar, at codon 1439 of the NF1 protein (p.His1439Leu). This variant is not present in population databases (gnomAD no frequency). This variant has not been reported in the literature in individuals affected with NF1-related conditions. ClinVar contains an entry for this variant (Variation ID: 527556). Algorithms developed to predict the effect of missense changes on protein structure and function (SIFT, PolyPhen-2, Align-GVGD) all suggest that this variant is likely to be tolerated. In summary, the available evidence is currently insufficient to determine the role of this variant in disease. Therefore, it has been classified as a Variant of Uncertain Significance.